The following is an entry in ClinVar:

ClinVar aggregate classification (germline): Pathogenic (1 of 4 stars; one submission).

Conditions:
Tay-Sachs disease (TSD). Also called: HEXA DEFICIENCY; GM2 gangliosidosis, type 1; Hexosaminidase alpha-subunit deficiency (variant B); Sphingolipidosis, Tay-Sachs; Hexosaminidase A Deficiency; HEXA Disorders. Identifiers: Orphanet 845, MedGen C0039373, MONDO:0010100, OMIM 272800.

Submission:

Labcorp Genetics (formerly Invitae), Labcorp
Classification: Pathogenic for Tay-Sachs disease. Last evaluated: 2024-09-06. Review status: criteria provided, single submitter. Criteria: Invitae Variant Classification Sherloc (09022015). Collection method: clinical testing. Allele origin: germline.
Comment: This sequence change creates a premature translational stop signal (p.Trp133*) in the HEXA gene. It is expected to result in an absent or disrupted protein product. Loss-of-function variants in HEXA are known to be pathogenic (PMID: 1833974, 8490625). This variant is not present in population databases (gnomAD no frequency). This variant has not been reported in the literature in individuals affected with HEXA-related conditions. Algorithms developed to predict the effect of sequence changes on RNA splicing suggest that this variant may disrupt the consensus splice site. For these reasons, this variant has been classified as Pathogenic.

Literature cited by the submitters: PubMed 1833974; PubMed 8490625.

NM_000520.6(HEXA):c.398G>A (p.Trp133Ter)

Gene: HEXA (hexosaminidase subunit alpha; minus strand). Cytogenetic location: 15q23.
Variant type: single nucleotide variant.
Coding change: c.398G>A on transcript NM_000520.6 (MANE Select); coding-DNA position 398, G replaced by A.
Protein change: p.Trp133Ter; replaces tryptophan 133 with a stop codon.
Molecular consequence: nonsense. On other transcripts: non-coding transcript variant (1).
Genome position (GRCh38, 1-based): chr15:72,355,573, C>T on the plus strand (G>A on the coding strand, the complement: HEXA is on the minus strand). VCF-style: chr15-72355573-C-T. GRCh37 (hg19) VCF-style: chr15-72647914-C-T.
Other names: c.431G>A, p.Trp144Ter (NM_001318825.2); short protein forms W144*, W133*.
Identifiers: ClinVar variation 3664857 (VCV003664857.2).
Genomic context (GRCh38, chr15:72,355,573, plus strand): 5'-CACATCATCCTTTCTCTCTCTCTTTTAATCAGCCCCAATTTGTTACCTCGGAGAGCTCCC[C>T]AGACAGTCTCAGAGAGGAGTAAACACTGGTCATCATTTATGGTCAGGGTATCTGAAATGA-3'